The following is an entry in ClinVar:

ClinVar aggregate classification (germline): Uncertain significance (1 of 4 stars; one submission).

Conditions:
Early-infantile DEE. Also called: Early infantile epileptic encephalopathy; Early infantile epileptic encephalopathy with suppression bursts; Ohtahara syndrome. Identifiers: Orphanet 1934, MedGen C0393706, MONDO:0800491.

Submission:

Labcorp Genetics (formerly Invitae), Labcorp
Classification: Uncertain significance for Early-infantile DEE. Last evaluated: 2022-04-02. Review status: criteria provided, single submitter. Criteria: Invitae Variant Classification Sherloc (09022015). Collection method: clinical testing. Allele origin: germline.
Comment: This sequence change replaces glutamic acid, which is acidic and polar, with aspartic acid, which is acidic and polar, at codon 1921 of the SPTAN1 protein (p.Glu1921Asp). This variant is not present in population databases (gnomAD no frequency). This variant has not been reported in the literature in individuals affected with SPTAN1-related conditions. Algorithms developed to predict the effect of missense changes on protein structure and function (SIFT, PolyPhen-2, Align-GVGD) all suggest that this variant is likely to be tolerated. In summary, the available evidence is currently insufficient to determine the role of this variant in disease. Therefore, it has been classified as a Variant of Uncertain Significance.

NM_001130438.3(SPTAN1):c.5763G>T (p.Glu1921Asp)

Gene: SPTAN1 (spectrin alpha, non-erythrocytic 1; plus strand). Cytogenetic location: 9q34.11.
Variant type: single nucleotide variant.
Coding change: c.5763G>T on transcript NM_001130438.3 (MANE Select); coding-DNA position 5763, G replaced by T.
Protein change: p.Glu1921Asp; replaces glutamic acid 1921 with aspartic acid.
Molecular consequence: missense variant.
Genome position (GRCh38, 1-based): chr9:128,621,187, G>T. VCF-style: chr9-128621187-G-T. GRCh37 (hg19) VCF-style: chr9-131383466-G-T.
Other names: c.5799G>T, p.Glu1933Asp (NM_001375318.1, NM_001375312.2); c.5748G>T, p.Glu1916Asp (NM_003127.4); c.5688G>T, p.Glu1896Asp (NM_001195532.2); c.5763G>T, p.Glu1921Asp (NM_001363759.2, NM_001375310.1, NM_001375311.2 and 1 more transcripts); c.5703G>T, p.Glu1901Asp (NM_001363765.2, NM_001375314.2); short protein forms E1901D, E1896D, E1921D, E1916D, E1933D.
Identifiers: ClinVar variation 2101836 (VCV002101836.4), dbSNP rs2542037116, ClinGen allele CA375079836.